The following is an entry in ClinVar:

NM_000548.5(TSC2):c.5056C>T (p.Gln1686Ter)

Gene: TSC2 (TSC complex subunit 2; plus strand). Cytogenetic location: 16p13.3.
Variant type: single nucleotide variant.
Coding change: c.5056C>T on transcript NM_000548.5 (MANE Select); coding-DNA position 5056, C replaced by T.
Protein change: p.Gln1686Ter; replaces glutamine 1686 with a stop codon.
Molecular consequence: nonsense.
Genome position (GRCh38, 1-based): chr16:2,087,929, C>T. VCF-style: chr16-2087929-C-T. GRCh37 (hg19) VCF-style: chr16-2137930-C-T.
Other names: c.4855C>T, p.Gln1619Ter (NM_001077183.3); c.4987C>T, p.Gln1663Ter (NM_001114382.3); c.4747C>T, p.Gln1583Ter (NM_001318827.2); c.4711C>T, p.Gln1571Ter (NM_001318829.2); c.4324C>T, p.Gln1442Ter (NM_001318831.2); c.4888C>T, p.Gln1630Ter (NM_001318832.2); c.4858C>T, p.Gln1620Ter (NM_001363528.2); c.4924C>T, p.Gln1642Ter (NM_001370404.1); and 1 more; short protein forms Q1686*, Q1571*, Q1642*, Q1643*, Q1663*, Q1442*, Q1619*, Q1620*.
Identifiers: ClinVar variation 49440 (VCV000049440.34), dbSNP rs45517388, ClinGen allele CA021591.
Genomic context (GRCh38, chr16:2,087,929, plus strand): 5'-TTCAACTTTGTCCACGTGATCGTCACCCCGCTGGACTACGAGTGCAACCTGGTGTCCCTG[C>T]AGTGCAGGAAAGGTAGGGCCGGGTGGGGCCCTGCAGTGCAGGAAAGGTAGGGCCGGGTGG-3'

ClinVar aggregate classification (germline): Pathogenic. Review status: criteria provided, multiple submitters, no conflicts (2 of 4 stars). 7 submissions from 7 submitters: Pathogenic (6). 1 of the submissions does not count toward it. Last evaluated 2026-05-22.

Conditions:
TSC2-related disorder. Also called: TSC2-related condition; TSC2-Related Disorders.
Hereditary cancer-predisposing syndrome. Also called: Hereditary Cancer Syndrome; Tumor predisposition; Neoplastic Syndromes, Hereditary; Hereditary neoplastic syndrome. Identifiers: Orphanet 140162, MedGen C0027672, MeSH D009386, MONDO:0015356.
Tuberous sclerosis syndrome (TSC). Also called: Tuberous Sclerosis Complex; Tuberous sclerosis. Identifiers: Orphanet 805, MedGen C0041341, MONDO:0001734.
Tuberous sclerosis 2 (TSC2). Identifiers: Orphanet 805, MedGen C1860707, MONDO:0013199, OMIM 613254.

Submissions (7):

Ambry Genetics
Classification: Pathogenic for Hereditary cancer-predisposing syndrome. Last evaluated: 2026-05-22. Review status: criteria provided, single submitter. Criteria: Ambry Variant Classification Scheme 2023. Collection method: clinical testing. Allele origin: germline.
Comment: The p.Q1686* pathogenic mutation (also known as c.5056C>T), located in coding exon 38 of the TSC2 gene, results from a C to T substitution at nucleotide position 5056. This changes the amino acid from a glutamine to a stop codon within coding exon 38. This variant was reported in individual(s) with features consistent with tuberous sclerosis complex (TSC) (Dabora SL et al. PLoS One, 2011 Sep;6:e23379). This variant is considered to be rare based on population cohorts in the Genome Aggregation Database (gnomAD). This alteration is expected to result in loss of function by premature protein truncation or nonsense-mediated mRNA decay. As such, this alteration is interpreted as a disease-causing mutation.

Institute of Human Genetics, University of Leipzig Medical Center
Classification: Pathogenic for Tuberous sclerosis 2. Last evaluated: 2023-10-16. Review status: criteria provided, single submitter. Criteria: ACMG Guidelines, 2015. Collection method: clinical testing. Allele origin: unknown. Inheritance: Autosomal dominant inheritance. Affected: yes.
Comment: Criteria applied: PVS1,PS4_MOD,PM2_SUP

CeGaT Center for Human Genetics Tuebingen
Classification: Pathogenic. Last evaluated: 2023-07-01. Review status: criteria provided, single submitter. Criteria: CeGaT Center For Human Genetics Tuebingen Variant Classification Criteria Version 2. Collection method: clinical testing. Allele origin: germline. Affected: yes. Observed: 1 variant allele.
Comment: TSC2: PVS1, PS2, PM2

GeneDx
Classification: Pathogenic. Last evaluated: 2022-01-20. Review status: criteria provided, single submitter. Criteria: GeneDx Variant Classification Process June 2021. Collection method: clinical testing. Allele origin: germline. Affected: yes.
Comment: Nonsense variant predicted to result in protein truncation or nonsense mediated decay in a gene for which loss-of-function is a known mechanism of disease; Not observed at significant frequency in large population cohorts (gnomAD); This variant is associated with the following publications: (PMID: 25525159, 15798777)

Blueprint Genetics
Classification: Pathogenic for TSC2-related disorders. Last evaluated: 2019-12-23. Review status: criteria provided, single submitter. Criteria: ACMG Guidelines, 2015. Collection method: clinical testing. Allele origin: germline. Affected: yes. Observed: 1 variant allele.

Athena Diagnostics
Classification: Pathogenic. Last evaluated: 2018-06-26. Review status: criteria provided, single submitter. Criteria: Athena Diagnostics Criteria. Collection method: clinical testing. Allele origin: germline.

Tuberous sclerosis database (TSC2)
No classification provided. Condition: TSC. Review status: no classification provided. Criteria: Tuberous Sclerosis Database Assertion Criteria 2015. Collection method: curation. Allele origin: germline. Affected: yes. Not counted in ClinVar's aggregate classification.

Literature cited by the submitters: PubMed 21915260 (cited by Ambry Genetics); PubMed 15798777 (cited by Athena Diagnostics).